The following is an entry in ClinVar:

ClinVar aggregate classification (germline): Uncertain significance. Review status: criteria provided, multiple submitters, no conflicts (2 of 4 stars). 2 submissions from 2 submitters: Uncertain significance (2). Last evaluated 2026-01-14.

Conditions:
Hereditary cancer-predisposing syndrome. Also called: Hereditary neoplastic syndrome; Neoplastic Syndromes, Hereditary; Tumor predisposition; Hereditary Cancer Syndrome. Identifiers: Orphanet 140162, MedGen C0027672, MeSH D009386, MONDO:0015356.
Neurofibromatosis, type 2 (SWNV). Also called: SCHWANNOMATOSIS, VESTIBULAR; NF2-Related Schwannomatosis; BILATERAL ACOUSTIC NEUROFIBROMATOSIS. Identifiers: Orphanet 637, MedGen C0027832, MONDO:0007039, OMIM 101000. Disease mechanism: loss of function.

Submissions (2):

Ambry Genetics
Classification: Uncertain significance for Hereditary cancer-predisposing syndrome. Last evaluated: 2026-01-14. Review status: criteria provided, single submitter. Criteria: Ambry Variant Classification Scheme 2023. Collection method: clinical testing. Allele origin: germline.
Comment: The p.K15E variant (also known as c.43A>G), located in coding exon 1 of the NF2 gene, results from an A to G substitution at nucleotide position 43. The lysine at codon 15 is replaced by glutamic acid, an amino acid with similar properties. This amino acid position is conserved. In addition, the in silico prediction for this alteration is inconclusive. Based on the available evidence, the clinical significance of this variant remains unclear.

Labcorp Genetics (formerly Invitae), Labcorp
Classification: Uncertain significance for Neurofibromatosis, type 2. Last evaluated: 2022-07-17. Review status: criteria provided, single submitter. Criteria: Invitae Variant Classification Sherloc (09022015). Collection method: clinical testing. Allele origin: germline.
Comment: In summary, the available evidence is currently insufficient to determine the role of this variant in disease. Therefore, it has been classified as a Variant of Uncertain Significance. Algorithms developed to predict the effect of missense changes on protein structure and function (SIFT, PolyPhen-2, Align-GVGD) all suggest that this variant is likely to be tolerated. This variant has not been reported in the literature in individuals affected with NF2-related conditions. This variant is not present in population databases (gnomAD no frequency). This sequence change replaces lysine, which is basic and polar, with glutamic acid, which is acidic and polar, at codon 15 of the NF2 protein (p.Lys15Glu).

NM_000268.4(NF2):c.43A>G (p.Lys15Glu)

Gene: NF2 (NF2, moesin-ezrin-radixin like (MERLIN) tumor suppressor; plus strand). Cytogenetic location: 22q12.2.
Variant type: single nucleotide variant.
Coding change: c.43A>G on transcript NM_000268.4 (MANE Select); coding-DNA position 43, A replaced by G.
Protein change: p.Lys15Glu; replaces lysine 15 with glutamic acid.
Molecular consequence: missense variant. On other transcripts: non-coding transcript variant (1).
Genome position (GRCh38, 1-based): chr22:29,604,041, A>G. VCF-style: chr22-29604041-A-G. GRCh37 (hg19) VCF-style: chr22-30000030-A-G.
Other names: c.-188A>G (NM_001407053.1, NM_001407056.1); c.43A>G, p.Lys15Glu (NM_001407054.1, NM_001407055.1, NM_001407057.1 and 15 more transcripts); c.-598A>G (NM_001407065.1); c.-214A>G (NM_001407067.1); short protein forms K15E.
Identifiers: ClinVar variation 1930628 (VCV001930628.6), dbSNP rs1555978356, ClinGen allele CA411145906.